The following is an entry in ClinVar:

ClinVar aggregate classification (germline): Uncertain significance (1 of 4 stars; one submission).

Conditions:
2-aminoadipic 2-oxoadipic aciduria (AAKAD). Also called: ALPHA-AMINOADIPIC AND ALPHA-KETOADIPIC ACIDURIA; Aminoadipic aciduria. Identifiers: Orphanet 79154, MedGen C1859817, MONDO:0008774, OMIM 204750.

gnomAD v4.1: 11 of 1,613,518 alleles (0.00068%); highest among the groups gnomAD compares: Non-Finnish European, 0.00093%; no homozygotes.

Submission:

Labcorp Genetics (formerly Invitae), Labcorp
Classification: Uncertain significance for 2-aminoadipic 2-oxoadipic aciduria. Last evaluated: 2024-05-27. Review status: criteria provided, single submitter. Criteria: Invitae Variant Classification Sherloc (09022015). Collection method: clinical testing. Allele origin: germline.
Comment: This sequence change replaces lysine, which is basic and polar, with arginine, which is basic and polar, at codon 759 of the DHTKD1 protein (p.Lys759Arg). This variant is not present in population databases (gnomAD no frequency). This variant has not been reported in the literature in individuals affected with DHTKD1-related conditions. Advanced modeling of protein sequence and biophysical properties (such as structural, functional, and spatial information, amino acid conservation, physicochemical variation, residue mobility, and thermodynamic stability) performed at Invitae indicates that this missense variant is not expected to disrupt DHTKD1 protein function with a negative predictive value of 80%. In summary, the available evidence is currently insufficient to determine the role of this variant in disease. Therefore, it has been classified as a Variant of Uncertain Significance.

NM_018706.7(DHTKD1):c.2276A>G (p.Lys759Arg)

Gene: DHTKD1 (dehydrogenase E1 and transketolase domain containing 1; plus strand). Cytogenetic location: 10p14.
Variant type: single nucleotide variant.
Coding change: c.2276A>G on transcript NM_018706.7 (MANE Select); coding-DNA position 2276, A replaced by G.
Protein change: p.Lys759Arg; replaces lysine 759 with arginine.
Molecular consequence: missense variant.
Genome position (GRCh38, 1-based): chr10:12,113,021, A>G. VCF-style: chr10-12113021-A-G. GRCh37 (hg19) VCF-style: chr10-12155020-A-G.
Other names: short protein forms K759R.
Identifiers: ClinVar variation 3614240 (VCV003614240.2).
Genomic context (GRCh38, chr10:12,113,021, plus strand): 5'-CAACAACTCCTGCACAGTATTTCCACTTGCTTAGGAGACAGATGGTCCGGAACTTCAGAA[A>G]ACCACTCATTGTTGCTTCCCCTAAGATGTTACTCAGGCTCCCGGTAAGCAGAAGGTGGTG-3'
Protein context (NP_061176.4, residues 749-769): LRRQMVRNFR[Lys759Arg]PLIVASPKML